The following is an entry in ClinVar:

ClinVar aggregate classification (germline): Uncertain significance (1 of 4 stars; one submission).

Conditions:
Hereditary cancer-predisposing syndrome. Also called: Neoplastic Syndromes, Hereditary; Tumor predisposition; Hereditary neoplastic syndrome; Hereditary Cancer Syndrome. Identifiers: Orphanet 140162, MedGen C0027672, MeSH D009386, MONDO:0015356.
Cardiovascular phenotype. Identifiers: MedGen CN230736.

Submission:

Ambry Genetics
Classification: Uncertain significance for Cardiovascular phenotype; Hereditary cancer-predisposing syndrome. Last evaluated: 2023-08-22. Review status: criteria provided, single submitter. Criteria: Ambry Variant Classification Scheme 2023. Collection method: clinical testing. Allele origin: germline.
Comment: The c.289-327T>C intronic variant results from a T to C substitution 327 nucleotides upstream from coding exon 4 in the NF1 gene. This nucleotide position is well conserved in available vertebrate species. In silico splice site analysis predicts that this alteration may result in the creation or strengthening of a novel splice acceptor site; however, direct evidence is insufficient at this time (Ambry internal data). Since supporting evidence is limited at this time, the clinical significance of this alteration remains unclear.

NM_001042492.3(NF1):c.289-327T>C

Gene: NF1 (neurofibromin 1; plus strand). Cytogenetic location: 17q11.2.
Variant type: single nucleotide variant.
Coding change: c.289-327T>C on transcript NM_001042492.3 (MANE Select); 327 bases into the intron before coding-DNA position 289, T replaced by C.
Molecular consequence: intron variant.
Genome position (GRCh38, 1-based): chr17:31,162,859, T>C. VCF-style: chr17-31162859-T-C. GRCh37 (hg19) VCF-style: chr17-29489877-T-C.
Other names: c.289-327T>C (NM_000267.4, NM_001128147.3).
Identifiers: ClinVar variation 3237702 (VCV003237702.1), dbSNP rs2544698897.